The following is an entry in ClinVar:

ClinVar aggregate classification (germline): Pathogenic (1 of 4 stars; one submission).

Conditions:
Mucopolysaccharidosis, MPS-III-A (MPS3A). Also called: Mucopolysaccharidosis, type IIIA; mucopolysaccharidosis type 3A; MPS IIIA (Sanfilippo Syndrome Type A); HEPARAN SULFATE SULFATASE DEFICIENCY; SANFILIPPO SYNDROME A; SULFAMIDASE DEFICIENCY. Identifiers: Orphanet 581, Orphanet 79269, MedGen C0086647, MONDO:0009655, OMIM 252900.

Submission:

3billion
Classification: Pathogenic for Mucopolysaccharidosis, MPS-III-A. Last evaluated: 2026-01-13. Review status: criteria provided, single submitter. Criteria: ACMG Guidelines, 2015. Collection method: clinical testing. Allele origin: germline. Affected: yes.
Comment: The variant is not observed in the gnomAD v4.1.0 dataset. Predicted Consequence/Location: Stop-gained (nonsense): predicted to result in a loss or disruption of normal protein function through nonsense-mediated decay (NMD) or protein truncation. Multiple pathogenic variants are reported downstream of the variant. The variant has been reported to be associated with SGSH-related disorder (PMID: 34712574). Therefore, this variant is classified as Pathogenic according to the recommendation of ACMG/AMP guideline.

Literature cited by the submitters: PubMed 34712574.

NM_000199.5(SGSH):c.672C>A (p.Tyr224Ter)

Gene: SGSH (N-sulfoglucosamine sulfohydrolase; minus strand). Cytogenetic location: 17q25.3.
Variant type: single nucleotide variant.
Coding change: c.672C>A on transcript NM_000199.5 (MANE Select); coding-DNA position 672, C replaced by A.
Protein change: p.Tyr224Ter; replaces tyrosine 224 with a stop codon.
Molecular consequence: nonsense. On other transcripts: non-coding transcript variant (1).
Genome position (GRCh38, 1-based): chr17:80,213,877, G>T on the plus strand (C>A on the coding strand, the complement: SGSH is on the minus strand). VCF-style: chr17-80213877-G-T. GRCh37 (hg19) VCF-style: chr17-78187676-G-T.
Other names: c.672C>A, p.Tyr224Ter (NM_001352921.3, NM_001352922.2); short protein forms Y224*.
Identifiers: ClinVar variation 4854399 (VCV004854399.1).